The following is an entry in ClinVar:

ClinVar aggregate classification (germline): Uncertain significance. Review status: criteria provided, multiple submitters, no conflicts (2 of 4 stars). 2 submissions from 2 submitters: Uncertain significance (2). Last evaluated 2023-11-08.

gnomAD v4.1: 19 of 1,614,064 alleles (0.0012%); highest among the groups gnomAD compares: Middle Eastern, 0.049%; no homozygotes.

Submissions (2):

Women's Health and Genetics/Laboratory Corporation of America, LabCorp
Classification: Uncertain significance. Last evaluated: 2023-11-08. Review status: criteria provided, single submitter. Criteria: LabCorp Variant Classification Summary - May 2015. Collection method: clinical testing. Allele origin: germline.
Comment: Variant summary: AFG3L2 c.2140G>A (p.Ala714Thr) results in a non-conservative amino acid change in the encoded protein sequence. Four of five in-silico tools predict a benign effect of the variant on protein function. The variant allele was found at a frequency of 2e-05 in 251486 control chromosomes (gnomAD). The available data on variant occurrences in the general population are insufficient to allow any conclusion about variant significance. To our knowledge, no occurrence of c.2140G>A in individuals affected with Spinocerebellar Ataxia Type 28 and no experimental evidence demonstrating its impact on protein function have been reported. No submitters have cited clinical-significance assessments for this variant to ClinVar after 2014. Based on the evidence outlined above, the variant was classified as uncertain significance.

GeneDx
Classification: Uncertain significance. Last evaluated: 2023-05-15. Review status: criteria provided, single submitter. Criteria: GeneDx Variant Classification Process June 2021. Collection method: clinical testing. Allele origin: germline. Affected: yes.
Comment: In silico analysis supports that this missense variant does not alter protein structure/function; Has not been previously published as pathogenic or benign to our knowledge

NM_006796.3(AFG3L2):c.2140G>A (p.Ala714Thr)

Gene: AFG3L2 (AFG3 like matrix AAA peptidase subunit 2; minus strand). Cytogenetic location: 18p11.21.
Variant type: single nucleotide variant.
Coding change: c.2140G>A on transcript NM_006796.3 (MANE Select); coding-DNA position 2140, G replaced by A.
Protein change: p.Ala714Thr; replaces alanine 714 with threonine.
Molecular consequence: missense variant.
Genome position (GRCh38, 1-based): chr18:12,337,376, C>T on the plus strand (G>A on the coding strand, the complement: AFG3L2 is on the minus strand). VCF-style: chr18-12337376-C-T. GRCh37 (hg19) VCF-style: chr18-12337375-C-T.
Other names: short protein forms A714T.
Identifiers: ClinVar variation 2682409 (VCV002682409.2), dbSNP rs768153900, ClinGen allele CA296690241.